The following is an entry in ClinVar:

NM_016938.5(EFEMP2):c.355G>A (p.Asp119Asn)

Gene: EFEMP2 (EGF-like fibulin extracellular matrix protein 2; minus strand). Cytogenetic location: 11q13.1.
Variant type: single nucleotide variant.
Coding change: c.355G>A on transcript NM_016938.5 (MANE Select); coding-DNA position 355, G replaced by A.
Protein change: p.Asp119Asn; replaces aspartic acid 119 with asparagine.
Molecular consequence: missense variant. On other transcripts: non-coding transcript variant (1).
Genome position (GRCh38, 1-based): chr11:65,871,169, C>T on the plus strand (G>A on the coding strand, the complement: EFEMP2 is on the minus strand). VCF-style: chr11-65871169-C-T. GRCh37 (hg19) VCF-style: chr11-65638640-C-T.
Other names: c.355G>A (NM_016938.4); short protein forms D119N.
Identifiers: ClinVar variation 1503978 (VCV001503978.9), dbSNP rs756326099, ClinGen allele CA381308778.

ClinVar aggregate classification (germline): Uncertain significance. Review status: criteria provided, multiple submitters, no conflicts (2 of 4 stars). 2 submissions from 2 submitters: Uncertain significance (2). Last evaluated 2025-02-10.

Conditions:
Cardiovascular phenotype. Identifiers: MedGen CN230736.
Cutis laxa, autosomal recessive, type 1B (ARCL1B). Also called: CUTIS LAXA, AUTOSOMAL RECESSIVE, TYPE IB; EFEMP2-Related Cutis Laxa. Identifiers: Orphanet 90349, MedGen C3280798, MONDO:0013754, OMIM 614437. Disease mechanism: loss of function.

gnomAD v4.1: 5 of 1,614,062 alleles (0.00031%); highest among the groups gnomAD compares: Admixed American, 0.0033%; no homozygotes.

Submissions (2):

Ambry Genetics
Classification: Uncertain significance for Cardiovascular phenotype. Last evaluated: 2025-02-10. Review status: criteria provided, single submitter. Criteria: Ambry Variant Classification Scheme 2023. Collection method: clinical testing. Allele origin: germline.
Comment: The p.D119N variant (also known as c.355G>A), located in coding exon 3 of the EFEMP2 gene, results from a G to A substitution at nucleotide position 355. The aspartic acid at codon 119 is replaced by asparagine, an amino acid with highly similar properties. This amino acid position is conserved. In addition, this alteration is predicted to be tolerated by in silico analysis. Based on the available evidence, the clinical significance of this variant remains unclear.

Labcorp Genetics (formerly Invitae), Labcorp
Classification: Uncertain significance for Cutis laxa, autosomal recessive, type 1B. Last evaluated: 2021-01-21. Review status: criteria provided, single submitter. Criteria: Invitae Variant Classification Sherloc (09022015). Collection method: clinical testing. Allele origin: germline.
Comment: This variant has not been reported in the literature in individuals with EFEMP2-related conditions. This sequence change replaces aspartic acid with asparagine at codon 119 of the EFEMP2 protein (p.Asp119Asn). The aspartic acid residue is weakly conserved and there is a small physicochemical difference between aspartic acid and asparagine. This variant is not present in population databases (ExAC no frequency). Algorithms developed to predict the effect of missense changes on protein structure and function are either unavailable or do not agree on the potential impact of this missense change (SIFT: "Deleterious"; PolyPhen-2: "Benign"; Align-GVGD: "Class C0"). In summary, the available evidence is currently insufficient to determine the role of this variant in disease. Therefore, it has been classified as a Variant of Uncertain Significance.